The following is an entry in ClinVar:

NM_004287.5(GOSR2):c.358A>G (p.Met120Val)

Genes: GOSR2 (golgi SNAP receptor complex member 2; plus strand), LRRC37A2 (leucine rich repeat containing 37 member A2). Cytogenetic location: 17q21.32.
Variant type: single nucleotide variant.
Coding change: c.358A>G on transcript NM_004287.5 (MANE Select); coding-DNA position 358, A replaced by G.
Protein change: p.Met120Val; replaces methionine 120 with valine.
Molecular consequence: missense variant. On other transcripts: non-coding transcript variant (1), intron variant (4).
Genome position (GRCh38, 1-based): chr17:46,935,050, A>G. VCF-style: chr17-46935050-A-G. GRCh37 (hg19) VCF-style: chr17-45012416-A-G.
Other names: c.358A>G, p.Met120Val (NM_001012511.3, NM_001321133.2, NM_054022.4); c.355A>G, p.Met119Val (NM_001353114.2); c.304A>G, p.Met102Val (NM_001363851.2); c.282+2851A>G (NM_001321134.2); c.336+2851A>G (NM_001330252.2); c.333+2851A>G (NM_001353115.2, NM_001353116.2); short protein forms M120V, M102V, M119V.
Identifiers: ClinVar variation 462915 (VCV000462915.6), dbSNP rs769454681, ClinGen allele CA8621282.

ClinVar aggregate classification (germline): Uncertain significance (1 of 4 stars; one submission).

Conditions:
Progressive myoclonic epilepsy. Also called: Familial progressive myoclonic epilepsy; Myoclonus epilepsy; Progressive myoclonus epilepsy; Myoclonic Epilepsies, Progressive. Identifiers: Orphanet 308, Orphanet 98261, MedGen C0751778, MONDO:0020074.

Allele frequency attached by ClinVar (database versions not stated): gnomAD exomes below 0.00001 and 0.00001; ExAC 0.00001.
gnomAD v4.1: 6 of 1,612,790 alleles (0.00037%); highest among the groups gnomAD compares: Admixed American, 0.0033%; no homozygotes.

Submission:

Labcorp Genetics (formerly Invitae), Labcorp
Classification: Uncertain significance for Progressive myoclonic epilepsy. Last evaluated: 2021-08-26. Review status: criteria provided, single submitter. Criteria: Invitae Variant Classification Sherloc (09022015). Collection method: clinical testing. Allele origin: germline.
Comment: This sequence change replaces methionine with valine at codon 120 of the GOSR2 protein (p.Met120Val). The methionine residue is moderately conserved and there is a small physicochemical difference between methionine and valine. This variant is present in population databases (rs769454681, ExAC 0.009%). This variant has not been reported in the literature in individuals affected with GOSR2-related conditions. Algorithms developed to predict the effect of missense changes on protein structure and function (SIFT, PolyPhen-2, Align-GVGD) all suggest that this variant is likely to be tolerated. Algorithms developed to predict the effect of sequence changes on RNA splicing suggest that this variant may create or strengthen a splice site. In summary, the available evidence is currently insufficient to determine the role of this variant in disease. Therefore, it has been classified as a Variant of Uncertain Significance.